The following is an entry in ClinVar:

NM_001611.5(ACP5):c.736-2A>G

Gene: ACP5 (acid phosphatase 5, tartrate resistant; minus strand). Cytogenetic location: 19p13.2.
Variant type: single nucleotide variant.
Coding change: c.736-2A>G on transcript NM_001611.5 (MANE Select); the canonical splice acceptor site of the intron before coding-DNA position 736, A replaced by G.
Molecular consequence: splice acceptor variant.
Genome position (GRCh38, 1-based): chr19:11,575,254, T>C on the plus strand (A>G on the coding strand, the complement: ACP5 is on the minus strand). VCF-style: chr19-11575254-T-C. GRCh37 (hg19) VCF-style: chr19-11686069-T-C.
Other names: c.736-2A>G (NM_001111036.3, NM_001111035.3, NM_001111034.3 and 1 more transcripts).
Identifiers: ClinVar variation 1031092 (VCV001031092.1), dbSNP rs1973089024, ClinGen allele CA404145968.

ClinVar aggregate classification (germline): Pathogenic (1 of 4 stars; one submission).

Conditions:
Spondyloenchondrodysplasia with immune dysregulation (SPENCDI). Also called: SPONDYLOENCHONDRODYSPLASIA WITH OR WITHOUT IMMUNE DYSREGULATION; ROIFMAN IMMUNOSKELETAL SYNDROME; COMBINED IMMUNODEFICIENCY WITH AUTOIMMUNITY AND SPONDYLOMETAPHYSEAL DYSPLASIA. Identifiers: Orphanet 1855, MedGen C1842763, MONDO:0011939, OMIM 607944.

Submission:

Baylor Genetics
Classification: Pathogenic for Spondyloenchondrodysplasia with immune dysregulation. Last evaluated: 2019-10-30. Review status: criteria provided, single submitter. Criteria: ACMG Guidelines, 2015. Collection method: clinical testing. Allele origin: unknown. Affected: yes.
Comment: This variant was determined to be pathogenic according to ACMG Guidelines, 2015 [PMID:25741868].